The following is an entry in ClinVar:

ClinVar aggregate classification (germline): Uncertain significance. Review status: criteria provided, multiple submitters, no conflicts (2 of 4 stars). 2 submissions from 2 submitters: Uncertain significance (2). Last evaluated 2024-03-13.

Conditions:
Cardiovascular phenotype. Identifiers: MedGen CN230736.

gnomAD v4.1: 9 of 1,549,176 alleles (0.00058%); highest among the groups gnomAD compares: Non-Finnish European, 0.00079%; no homozygotes.

Submissions (2):

Labcorp Genetics (formerly Invitae), Labcorp
Classification: Uncertain significance. Last evaluated: 2024-03-13. Review status: criteria provided, single submitter. Criteria: Invitae Variant Classification Sherloc (09022015). Collection method: clinical testing. Allele origin: germline.
Comment: This sequence change replaces proline, which is neutral and non-polar, with glutamine, which is neutral and polar, at codon 709 of the ZNF469 protein (p.Pro709Gln). This variant is not present in population databases (gnomAD no frequency). This variant has not been reported in the literature in individuals affected with ZNF469-related conditions. An algorithm developed to predict the effect of missense changes on protein structure and function (PolyPhen-2) suggests that this variant is likely to be disruptive. In summary, the available evidence is currently insufficient to determine the role of this variant in disease. Therefore, it has been classified as a Variant of Uncertain Significance.

Ambry Genetics
Classification: Uncertain significance for Cardiovascular phenotype. Last evaluated: 2023-11-21. Review status: criteria provided, single submitter. Criteria: Ambry Variant Classification Scheme 2023. Collection method: clinical testing. Allele origin: germline.
Comment: The p.P709Q variant (also known as c.2126C>A), located in coding exon 1 of the ZNF469 gene, results from a C to A substitution at nucleotide position 2126. The proline at codon 709 is replaced by glutamine, an amino acid with similar properties. This amino acid position is conserved. In addition, this alteration is predicted to be tolerated by in silico analysis. Since supporting evidence is limited at this time, the clinical significance of this alteration remains unclear.

NM_001367624.2(ZNF469):c.2126C>A (p.Pro709Gln)

Gene: ZNF469 (zinc finger protein 469; plus strand). Cytogenetic location: 16q24.2.
Variant type: single nucleotide variant.
Coding change: c.2126C>A on transcript NM_001367624.2 (MANE Select); coding-DNA position 2126, C replaced by A.
Protein change: p.Pro709Gln; replaces proline 709 with glutamine.
Molecular consequence: missense variant.
Genome position (GRCh38, 1-based): chr16:88,429,596, C>A. VCF-style: chr16-88429596-C-A. GRCh37 (hg19) VCF-style: chr16-88496004-C-A.
Other names: NM_001127464.1:c.2126C>A; short protein forms P709Q.
Identifiers: ClinVar variation 3232770 (VCV003232770.2), dbSNP rs1017679214, ClinGen allele CA286373370.